The following is an entry in ClinVar:

ClinVar aggregate classification (germline): Conflicting classifications of pathogenicity. Review status: criteria provided, conflicting classifications (1 of 4 stars). 3 submissions from 3 submitters: Uncertain significance (2); Likely benign (1). Last evaluated 2025-06-02.

Conditions:
Hereditary cancer-predisposing syndrome. Also called: Hereditary neoplastic syndrome; Neoplastic Syndromes, Hereditary; Hereditary Cancer Syndrome; Tumor predisposition. Identifiers: Orphanet 140162, MedGen C0027672, MeSH D009386, MONDO:0015356.
Familial cancer of breast. Also called: Hereditary breast cancer; BREAST CANCER, FAMILIAL; hereditary breast carcinoma. Identifiers: Orphanet 227535, MedGen C0346153, MONDO:0016419, OMIM 114480. Disease mechanism: loss of function.

gnomAD v4.1: 5 of 1,612,172 alleles (0.00031%); highest among the groups gnomAD compares: Non-Finnish European, 0.00042%; no homozygotes.

Submissions (3):

Ambry Genetics
Classification: Likely benign for Hereditary cancer-predisposing syndrome. Last evaluated: 2025-06-02. Review status: criteria provided, single submitter. Criteria: Ambry Variant Classification Scheme 2023. Collection method: clinical testing. Allele origin: germline.

Labcorp Genetics (formerly Invitae), Labcorp
Classification: Uncertain significance for Familial cancer of breast. Last evaluated: 2024-07-25. Review status: criteria provided, single submitter. Criteria: Invitae Variant Classification Sherloc (09022015). Collection method: clinical testing. Allele origin: germline.
Comment: This sequence change replaces glutamine, which is neutral and polar, with histidine, which is basic and polar, at codon 1044 of the PALB2 protein (p.Gln1044His). This variant is not present in population databases (gnomAD no frequency). This variant has not been reported in the literature in individuals affected with PALB2-related conditions. ClinVar contains an entry for this variant (Variation ID: 128138). Advanced modeling of protein sequence and biophysical properties (such as structural, functional, and spatial information, amino acid conservation, physicochemical variation, residue mobility, and thermodynamic stability) performed at Invitae indicates that this missense variant is not expected to disrupt PALB2 protein function with a negative predictive value of 80%. Experimental studies have shown that this missense change does not substantially affect PALB2 function (PMID: 31636395). In summary, the available evidence is currently insufficient to determine the role of this variant in disease. Therefore, it has been classified as a Variant of Uncertain Significance.

GeneDx
Classification: Uncertain significance. Last evaluated: 2016-08-05. Review status: criteria provided, single submitter. Criteria: GeneDx Variant Classification (06012015). Collection method: clinical testing. Allele origin: germline. Affected: yes.
Comment: This variant is denoted PALB2 c.3132A>C at the cDNA level, p.Gln1044His (Q1044H) at the protein level, and results in the change of a Glutamine to a Histidine (CAA>CAC). This variant has not, to our knowledge, been published in the literature as pathogenic or benign. PALB2 Gln1044His was not observed in approximately 6,500 individuals of European and African American ancestry in the NHLBI Exome Sequencing Project, indicating it is not a common benign variant in these populations. Since Glutamine and Histidine differ in some properties, this is considered a semi-conservative amino acid substitution and may affect protein integrity. PALB2 Gln1044His occurs at a position that is highly conserved across species and is located in within a region that interacts with RAD51 and BRCA2 as well as the WD4 repeat region. In silico analyses predict that this variant is probably damaging to protein structure and function. Based on currently available information, it is unclear whether PALB2 Gln1044His is pathogenic or benign. We consider it to be a variant of uncertain significance.

Literature cited by the submitters: PubMed 31636395 (cited by Ambry Genetics and Labcorp Genetics (formerly Invitae), Labcorp); PubMed 33811135 (cited by Ambry Genetics).

NM_024675.4(PALB2):c.3132A>C (p.Gln1044His)

Gene: PALB2 (partner and localizer of BRCA2; minus strand). Cytogenetic location: 16p12.2.
Variant type: single nucleotide variant.
Coding change: c.3132A>C on transcript NM_024675.4 (MANE Select); coding-DNA position 3132, A replaced by C.
Protein change: p.Gln1044His; replaces glutamine 1044 with histidine.
Molecular consequence: missense variant.
Genome position (GRCh38, 1-based): chr16:23,614,073, T>G on the plus strand (A>C on the coding strand, the complement: PALB2 is on the minus strand). VCF-style: chr16-23614073-T-G. GRCh37 (hg19) VCF-style: chr16-23625394-T-G.
Other names: p.Q1044H:CAA>CAC; short protein forms Q1044H.
Identifiers: ClinVar variation 128138 (VCV000128138.15), dbSNP rs587780216, ClinGen allele CA288460.